The following is an entry in ClinVar:

NM_000455.5(STK11):c.607C>T (p.Pro203Ser)

Gene: STK11 (serine/threonine kinase 11; plus strand). Cytogenetic location: 19p13.3.
Variant type: single nucleotide variant.
Coding change: c.607C>T on transcript NM_000455.5 (MANE Select); coding-DNA position 607, C replaced by T.
Protein change: p.Pro203Ser; replaces proline 203 with serine.
Molecular consequence: missense variant.
Genome position (GRCh38, 1-based): chr19:1,220,590, C>T. VCF-style: chr19-1220590-C-T. GRCh37 (hg19) VCF-style: chr19-1220589-C-T.
Other names: short protein forms P203S.
Identifiers: ClinVar variation 838838 (VCV000838838.9), dbSNP rs2080775942, ClinGen allele CA402949429.

ClinVar aggregate classification (germline): Uncertain significance (1 of 4 stars; one submission).

Conditions:
Peutz-Jeghers syndrome (PJS). Also called: Peutz-Jeghers polyposis; Periorificial lentiginosis syndrome; POLYPOSIS, HAMARTOMATOUS INTESTINAL; POLYPS-AND-SPOTS SYNDROME. Identifiers: Orphanet 2869, MedGen C0031269, MeSH D010580, MONDO:0008280, OMIM 175200.

Submission:

Labcorp Genetics (formerly Invitae), Labcorp
Classification: Uncertain significance for Peutz-Jeghers syndrome. Last evaluated: 2019-06-12. Review status: criteria provided, single submitter. Criteria: Invitae Variant Classification Sherloc (09022015). Collection method: clinical testing. Allele origin: germline.
Comment: This sequence change replaces proline with serine at codon 203 of the STK11 protein (p.Pro203Ser). The proline residue is highly conserved and there is a moderate physicochemical difference between proline and serine. This variant is not present in population databases (ExAC no frequency). This variant has not been reported in the literature in individuals with STK11-related conditions. Algorithms developed to predict the effect of missense changes on protein structure and function (SIFT, PolyPhen-2, Align-GVGD) all suggest that this variant is likely to be tolerated, but these predictions have not been confirmed by published functional studies and their clinical significance is uncertain. In summary, the available evidence is currently insufficient to determine the role of this variant in disease. Therefore, it has been classified as a Variant of Uncertain Significance.